The following is an entry in ClinVar:

ClinVar aggregate classification (germline): Uncertain significance. Review status: criteria provided, multiple submitters, no conflicts (2 of 4 stars). 2 submissions from 2 submitters: Uncertain significance (2). Last evaluated 2026-01-14.

Conditions:
Treacher Collins syndrome 1 (TCS1). Also called: TCOF1-Related Treacher Collins Syndrome. Identifiers: Orphanet 861, MedGen CN315775, MONDO:0007944, OMIM 154500.
Inborn genetic diseases. Identifiers: MedGen C0950123, MeSH D030342.

Allele frequency attached by ClinVar (database versions not stated): gnomAD exomes below 0.00001.
gnomAD v4.1: 2 of 1,614,116 alleles (0.00012%); highest among the groups gnomAD compares: African/African-American, 0.0013%; no homozygotes.

Submissions (2):

Ambry Genetics
Classification: Uncertain significance for Inborn genetic diseases. Last evaluated: 2026-01-14. Review status: criteria provided, single submitter. Criteria: Ambry Variant Classification Scheme 2023. Collection method: clinical testing. Allele origin: germline.

Labcorp Genetics (formerly Invitae), Labcorp
Classification: Uncertain significance for Treacher Collins syndrome 1. Last evaluated: 2021-12-20. Review status: criteria provided, single submitter. Criteria: Invitae Variant Classification Sherloc (09022015). Collection method: clinical testing. Allele origin: germline.
Comment: This sequence change replaces arginine, which is basic and polar, with cysteine, which is neutral and slightly polar, at codon 77 of the TCOF1 protein (p.Arg77Cys). This variant is not present in population databases (gnomAD no frequency). This variant has not been reported in the literature in individuals affected with TCOF1-related conditions. Algorithms developed to predict the effect of missense changes on protein structure and function (SIFT, PolyPhen-2, Align-GVGD) all suggest that this variant is likely to be disruptive. In summary, the available evidence is currently insufficient to determine the role of this variant in disease. Therefore, it has been classified as a Variant of Uncertain Significance.

NM_001371623.1(TCOF1):c.229C>T (p.Arg77Cys)

Gene: TCOF1 (treacle ribosome biogenesis factor 1; plus strand). Cytogenetic location: 5q32.
Variant type: single nucleotide variant.
Coding change: c.229C>T on transcript NM_001371623.1 (MANE Select); coding-DNA position 229, C replaced by T.
Protein change: p.Arg77Cys; replaces arginine 77 with cysteine.
Molecular consequence: missense variant.
Genome position (GRCh38, 1-based): chr5:150,364,177, C>T. VCF-style: chr5-150364177-C-T. GRCh37 (hg19) VCF-style: chr5-149743740-C-T.
Other names: c.229C>T, p.Arg77Cys (NM_000356.4, NM_001008657.3, NM_001135243.2 and 3 more transcripts); c.229C>T (NM_001135243.1); short protein forms R77C.
Identifiers: ClinVar variation 2197272 (VCV002197272.6), dbSNP rs1562287919, ClinGen allele CA361730765.
Genomic context (GRCh38, chr5:150,364,177, plus strand): 5'-TCAGAGCTTGGTCGGAAGCGGAAGGCAGAGGAAGATGCGGCACTGCAAGCTAAGAAAACC[C>T]GTGTGTCAGACCCCATCAGCACCTCGGAGAGCTCGGAAGAGGAGGAAGAAGCAGAAGCCG-3'
Protein context (NP_001358552.1, residues 67-87): EDAALQAKKT[Arg77Cys]VSDPISTSES